The following is an entry in ClinVar:

NM_001369.3(DNAH5):c.4400dup (p.Leu1467fs)

Genes: DNAH5 (dynein axonemal heavy chain 5; minus strand), DNAH5-AS1 (DNAH5 antisense RNA 1; plus strand). Cytogenetic location: 5p15.2.
Variant type: Duplication.
Coding change: c.4400dup on transcript NM_001369.3 (MANE Select); coding-DNA position 4400, one base duplicated (T; older notation c.4400dupT).
Protein change: p.Leu1467fs; shifts the reading frame from leucine 1467.
Molecular consequence: frameshift variant.
Genome position (GRCh38, 1-based): chr5:13,864,593, A duplicated on the plus strand (T on the coding strand, the reverse complement: DNAH5 is on the minus strand); the first of 6 consecutive A bases (chr5:13,864,593-13,864,598); duplicating any one gives the same sequence. VCF-style (leftmost placement, unchanged base first): chr5-13864592-C-CA. GRCh37 (hg19) VCF-style: chr5-13864701-C-CA.
Other names: c.4400dupT (NM_001369.2); short protein forms L1467fs.
Identifiers: ClinVar variation 654148 (VCV000654148.15), dbSNP rs1252973555, ClinGen allele CA557876723.

ClinVar aggregate classification (germline): Pathogenic/Likely pathogenic. Review status: criteria provided, multiple submitters, no conflicts (2 of 4 stars). 4 submissions from 4 submitters: Pathogenic (2); Likely pathogenic (2). Last evaluated 2026-01-05.

Conditions:
Primary ciliary dyskinesia 3. Identifiers: Orphanet 244, MedGen C1837618, MONDO:0012085, OMIM 608644.
Primary ciliary dyskinesia. Also called: Ciliary dyskinesia. Identifiers: Orphanet 244, MedGen C0008780, MONDO:0016575, HP:0012265.

Submissions (4):

Natera, Inc.
Classification: Likely pathogenic for Primary ciliary dyskinesia. Last evaluated: 2026-01-05. Review status: criteria provided, single submitter. Criteria: Natera Variant Classification Schema (03/2026). Collection method: clinical testing. Allele origin: germline.
Comment: The c.4400dupT variant in DNAH5 is a frameshift variant predicted to shift the reading frame beginning at codon 1467 and leads to a stop codon 8 codons downstream. This variant is expected to result in nonsense mediated decay, truncation, or a dysfunctional protein product. This variant is rare in the general population with a frequency below the threshold expected for the associated phenotype(s). Given the available evidence, this variant is classified as Likely Pathogenic.

Fulgent Genetics
Classification: Likely pathogenic for Primary ciliary dyskinesia 3. Last evaluated: 2024-03-06. Review status: criteria provided, single submitter. Criteria: ACMG Guidelines, 2015. Collection method: clinical testing. Allele origin: germline.

Labcorp Genetics (formerly Invitae), Labcorp
Classification: Pathogenic for Primary ciliary dyskinesia. Last evaluated: 2024-02-08. Review status: criteria provided, single submitter. Criteria: Invitae Variant Classification Sherloc (09022015). Collection method: clinical testing. Allele origin: germline.
Comment: This sequence change creates a premature translational stop signal (p.Leu1467Phefs*8) in the DNAH5 gene. It is expected to result in an absent or disrupted protein product. Loss-of-function variants in DNAH5 are known to be pathogenic (PMID: 11788826, 16627867). This variant is present in population databases (no rsID available, gnomAD 0.007%). This variant has not been reported in the literature in individuals affected with DNAH5-related conditions. ClinVar contains an entry for this variant (Variation ID: 654148). For these reasons, this variant has been classified as Pathogenic.

Ambry Genetics
Classification: Pathogenic for Primary ciliary dyskinesia. Last evaluated: 2018-04-13. Review status: criteria provided, single submitter. Criteria: Ambry Variant Classification Scheme 2023. Collection method: clinical testing. Allele origin: germline.
Comment: The c.4400dupT pathogenic mutation, located in coding exon 28 of the DNAH5 gene, results from a duplication of T at nucleotide position 4400, causing a translational frameshift with a predicted alternate stop codon (p.L1467Ffs*8). This alteration is expected to result in loss of function by premature protein truncation or nonsense-mediated mRNA decay. As such, this alteration is interpreted as a disease-causing mutation.

Literature cited by the submitters: PubMed 11788826 (cited by Labcorp Genetics (formerly Invitae), Labcorp); PubMed 16627867 (cited by Labcorp Genetics (formerly Invitae), Labcorp).